The following is an entry in ClinVar:

GRCh37/hg19 22q11.23(chr22:23653987-25158391)

Genes: ADORA2A (adenosine A2a receptor; plus strand), BCR (BCR activator of RhoGEF and GTPase; plus strand), C22orf15 (chromosome 22 open reading frame 15; plus strand), CABIN1 (calcineurin binding protein 1; plus strand), CHCHD10 (coiled-coil-helix-coiled-coil-helix domain containing 10; minus strand) and 24 more. Cytogenetic location: 22q11.23.
Variant type: copy number gain.
Identifiers: ClinVar variation 625627 (VCV000625627.1).

ClinVar aggregate classification (germline): Likely pathogenic (1 of 4 stars; one submission).

Submission:

Baylor Genetics
Classification: Likely pathogenic. Last evaluated: 2018-11-01. Review status: criteria provided, single submitter. Criteria: ACMG CNV Guidelines, 2011. Collection method: clinical testing. Allele origin: germline. Observed: 1 variant allele.